The following is an entry in ClinVar:

NM_033118.4(MYLK2):c.1083-8G>A

Gene: MYLK2 (myosin light chain kinase 2; plus strand). Cytogenetic location: 20q11.21.
Variant type: single nucleotide variant.
Coding change: c.1083-8G>A on transcript NM_033118.4 (MANE Select); 8 bases into the intron before coding-DNA position 1083, G replaced by A.
Molecular consequence: intron variant.
Genome position (GRCh38, 1-based): chr20:31,826,789, G>A. VCF-style: chr20-31826789-G-A. GRCh37 (hg19) VCF-style: chr20-30414592-G-A.
Other names: c.1083-8G>A (NM_033118.3).
Identifiers: ClinVar variation 2913903 (VCV002913903.5), dbSNP rs940139089, ClinGen allele CA313851352.

ClinVar aggregate classification (germline): Likely benign. Review status: criteria provided, single submitter (1 of 4 stars). 2 submissions from 2 submitters: Likely benign (1). 1 of the submissions does not count toward it. Last evaluated 2024-11-24.

Conditions:
MYLK2-related disorder. Also called: MYLK2-related condition.
Hypertrophic cardiomyopathy 1 (CMH1). Also called: Familial hypertrophic cardiomyopathy 1; MYH7-Related Familial Hypertrophic Cardiomyopathy. Identifiers: MedGen C3495498, MONDO:0008647, OMIM 192600.

Allele frequency attached by ClinVar (database versions not stated): gnomAD exomes 0.00001.
gnomAD v4.1: 15 of 1,614,154 alleles (0.00093%); highest among the groups gnomAD compares: Non-Finnish European, 0.0013%; no homozygotes.

Submissions (2):

Labcorp Genetics (formerly Invitae), Labcorp
Classification: Likely benign for Hypertrophic cardiomyopathy 1. Last evaluated: 2024-11-24. Review status: criteria provided, single submitter. Criteria: Invitae Variant Classification Sherloc (09022015). Collection method: clinical testing. Allele origin: germline.

PreventionGenetics, part of Exact Sciences
Classification: Likely benign for MYLK2-related condition. Last evaluated: 2022-02-27. Review status: no assertion criteria provided. Collection method: clinical testing. Allele origin: germline. Not counted in ClinVar's aggregate classification.
Comment: This variant is classified as likely benign based on ACMG/AMP sequence variant interpretation guidelines (Richards et al. 2015 PMID: 25741868, with internal and published modifications).